The following is an entry in ClinVar:

NM_144991.3(TSPEAR):c.1972G>A (p.Glu658Lys)

Gene: TSPEAR (thrombospondin type laminin G domain and EAR repeats; minus strand). Cytogenetic location: 21q22.3.
Variant type: single nucleotide variant.
Coding change: c.1972G>A on transcript NM_144991.3 (MANE Select); coding-DNA position 1972, G replaced by A.
Protein change: p.Glu658Lys; replaces glutamic acid 658 with lysine.
Molecular consequence: missense variant.
Genome position (GRCh38, 1-based): chr21:44,499,821, C>T on the plus strand (G>A on the coding strand, the complement: TSPEAR is on the minus strand). VCF-style: chr21-44499821-C-T. GRCh37 (hg19) VCF-style: chr21-45919704-C-T.
Other names: c.1972G>A (NM_144991.2); c.1768G>A, p.Glu590Lys (NM_001272037.2); short protein forms E590K, E658K.
Identifiers: ClinVar variation 1995619 (VCV001995619.5), dbSNP rs782425063, ClinGen allele CA10056239.

ClinVar aggregate classification (germline): Uncertain significance. Review status: criteria provided, multiple submitters, no conflicts (2 of 4 stars). 2 submissions from 2 submitters: Uncertain significance (2). Last evaluated 2025-08-26.

Conditions:
Inborn genetic diseases. Identifiers: MedGen C0950123, MeSH D030342.

Allele frequency attached by ClinVar (database versions not stated): ExAC 0.00003.
gnomAD v4.1: 1 of 1,582,750 alleles (0.000063%); highest among the groups gnomAD compares: South Asian, 0.0012%; no homozygotes.

Submissions (2):

Ambry Genetics
Classification: Uncertain significance for Inborn genetic diseases. Last evaluated: 2025-08-26. Review status: criteria provided, single submitter. Criteria: Ambry Variant Classification Scheme 2023. Collection method: clinical testing. Allele origin: germline.

Labcorp Genetics (formerly Invitae), Labcorp
Classification: Uncertain significance. Last evaluated: 2022-07-17. Review status: criteria provided, single submitter. Criteria: Invitae Variant Classification Sherloc (09022015). Collection method: clinical testing. Allele origin: germline.
Comment: In summary, the available evidence is currently insufficient to determine the role of this variant in disease. Therefore, it has been classified as a Variant of Uncertain Significance. Algorithms developed to predict the effect of missense changes on protein structure and function are either unavailable or do not agree on the potential impact of this missense change (SIFT: "Deleterious"; PolyPhen-2: "Possibly Damaging"; Align-GVGD: "Class C0"). This variant has not been reported in the literature in individuals affected with TSPEAR-related conditions. This variant is present in population databases (rs782425063, gnomAD 0.004%). This sequence change replaces glutamic acid, which is acidic and polar, with lysine, which is basic and polar, at codon 658 of the TSPEAR protein (p.Glu658Lys).